The following is an entry in ClinVar:

ClinVar aggregate classification (germline): Likely pathogenic (1 of 4 stars; one submission).

Allele frequency attached by ClinVar (database versions not stated): gnomAD exomes below 0.00001; ExAC 0.00001; gnomAD 0.00001; 1000 Genomes Project 0.00020; 1000 Genomes Project 30x 0.00031.
gnomAD v4.1: 1 of 1,614,092 alleles (0.000062%); highest among the groups gnomAD compares: African/African-American, 0.0013%; no homozygotes.

Submission:

Labcorp Genetics (formerly Invitae), Labcorp
Classification: Likely pathogenic. Last evaluated: 2022-10-02. Review status: criteria provided, single submitter. Criteria: Invitae Variant Classification Sherloc (09022015). Collection method: clinical testing. Allele origin: germline.
Comment: This sequence change replaces leucine, which is neutral and non-polar, with phenylalanine, which is neutral and non-polar, at codon 309 of the CTSK protein (p.Leu309Phe). This variant is present in population databases (rs587638055, gnomAD 0.007%). This variant has not been reported in the literature in individuals affected with CTSK-related conditions. ClinVar contains an entry for this variant (Variation ID: 1475911). Advanced modeling of protein sequence and biophysical properties (such as structural, functional, and spatial information, amino acid conservation, physicochemical variation, residue mobility, and thermodynamic stability) performed at Invitae indicates that this missense variant is not expected to disrupt CTSK protein function. This variant disrupts the p.Leu309 amino acid residue in CTSK. Other variant(s) that disrupt this residue have been determined to be pathogenic (PMID: 10878663). This suggests that this residue is clinically significant, and that variants that disrupt this residue are likely to be disease-causing. In summary, the currently available evidence indicates that the variant is pathogenic, but additional data are needed to prove that conclusively. Therefore, this variant has been classified as Likely Pathogenic.

Literature cited by the submitters: PubMed 10878663.

NM_000396.4(CTSK):c.925C>T (p.Leu309Phe)

Gene: CTSK (cathepsin K; minus strand). Cytogenetic location: 1q21.3.
Variant type: single nucleotide variant.
Coding change: c.925C>T on transcript NM_000396.4 (MANE Select); coding-DNA position 925, C replaced by T.
Protein change: p.Leu309Phe; replaces leucine 309 with phenylalanine.
Molecular consequence: missense variant.
Genome position (GRCh38, 1-based): chr1:150,796,864, G>A on the plus strand (C>T on the coding strand, the complement: CTSK is on the minus strand). VCF-style: chr1-150796864-G-A. GRCh37 (hg19) VCF-style: chr1-150769340-G-A.
Other names: short protein forms L309F.
Identifiers: ClinVar variation 1475911 (VCV001475911.3), dbSNP rs587638055, ClinGen allele CA1080392.